The following is an entry in ClinVar:

NM_001367823.1(ARHGEF18):c.2581G>A (p.Asp861Asn)

Gene: ARHGEF18 (Rho/Rac guanine nucleotide exchange factor 18; plus strand). Cytogenetic location: 19p13.2.
Variant type: single nucleotide variant.
Coding change: c.2581G>A on transcript NM_001367823.1 (MANE Select); coding-DNA position 2581, G replaced by A.
Protein change: p.Asp861Asn; replaces aspartic acid 861 with asparagine.
Molecular consequence: missense variant.
Genome position (GRCh38, 1-based): chr19:7,462,280, G>A. VCF-style: chr19-7462280-G-A. GRCh37 (hg19) VCF-style: chr19-7527166-G-A.
Other names: c.1855G>A, p.Asp619Asn (NM_001130955.2); c.1543G>A, p.Asp515Asn (NM_001367824.1, NM_015318.4); short protein forms D619N, D861N, D515N.
Identifiers: ClinVar variation 953305 (VCV000953305.10), dbSNP rs763916488, ClinGen allele CA9136907.

ClinVar aggregate classification (germline): Uncertain significance. Review status: criteria provided, multiple submitters, no conflicts (2 of 4 stars). 2 submissions from 2 submitters: Uncertain significance (2). Last evaluated 2021-12-01.

Allele frequency attached by ClinVar (database versions not stated): TOPMed below 0.00001; gnomAD exomes 0.00001; ExAC 0.00002.
gnomAD v4.1: 17 of 1,613,084 alleles (0.0011%); highest among the groups gnomAD compares: South Asian, 0.019%; no homozygotes.

Submissions (2):

Blueprint Genetics
Classification: Uncertain significance. Last evaluated: 2021-12-01. Review status: criteria provided, single submitter. Criteria: ACMG Guidelines, 2015. Collection method: clinical testing. Allele origin: germline.

Labcorp Genetics (formerly Invitae), Labcorp
Classification: Uncertain significance. Last evaluated: 2020-01-28. Review status: criteria provided, single submitter. Criteria: Invitae Variant Classification Sherloc (09022015). Collection method: clinical testing. Allele origin: germline.
Comment: This sequence change replaces aspartic acid with asparagine at codon 673 of the ARHGEF18 protein (p.Asp673Asn). The aspartic acid residue is highly conserved and there is a small physicochemical difference between aspartic acid and asparagine. This variant is present in population databases (rs763916488, ExAC 0.01%). This variant has not been reported in the literature in individuals with ARHGEF18-related conditions. Algorithms developed to predict the effect of missense changes on protein structure and function output the following: SIFT: "Deleterious"; PolyPhen-2: "Benign"; Align-GVGD: "Class C0". The asparagine amino acid residue is found in multiple mammalian species, suggesting that this missense change does not adversely affect protein function. These predictions have not been confirmed by published functional studies and their clinical significance is uncertain. In summary, the available evidence is currently insufficient to determine the role of this variant in disease. Therefore, it has been classified as a Variant of Uncertain Significance.